The following is an entry in ClinVar:

ClinVar aggregate classification (germline): Uncertain significance (1 of 4 stars; one submission).

Conditions:
Cardiovascular phenotype. Identifiers: MedGen CN230736.

Allele frequency attached by ClinVar (database versions not stated): TOPMed 0.00001.

Submission:

Ambry Genetics
Classification: Uncertain significance for Cardiovascular phenotype. Last evaluated: 2024-06-09. Review status: criteria provided, single submitter. Criteria: Ambry Variant Classification Scheme 2023. Collection method: clinical testing. Allele origin: germline.
Comment: The p.E131D variant (also known as c.393A>T), located in coding exon 8 of the MFAP5 gene, results from an A to T substitution at nucleotide position 393. The glutamic acid at codon 131 is replaced by aspartic acid, an amino acid with highly similar properties. This amino acid position is conserved. In addition, this alteration is predicted to be tolerated by in silico analysis. Since supporting evidence is limited at this time, the clinical significance of this alteration remains unclear.

NM_003480.4(MFAP5):c.393A>T (p.Glu131Asp)

Gene: MFAP5 (microfibril associated protein 5; minus strand). Cytogenetic location: 12p13.31.
Variant type: single nucleotide variant.
Coding change: c.393A>T on transcript NM_003480.4 (MANE Select); coding-DNA position 393, A replaced by T.
Protein change: p.Glu131Asp; replaces glutamic acid 131 with aspartic acid.
Molecular consequence: missense variant. On other transcripts: non-coding transcript variant (2), intron variant (1).
Genome position (GRCh38, 1-based): chr12:8,649,517, T>A on the plus strand (A>T on the coding strand, the complement: MFAP5 is on the minus strand). VCF-style: chr12-8649517-T-A. GRCh37 (hg19) VCF-style: chr12-8802113-T-A.
Other names: c.363A>T, p.Glu121Asp (NM_001297709.2); c.327A>T, p.Glu109Asp (NM_001297710.2); c.318A>T, p.Glu106Asp (NM_001297711.2); c.218-1314A>T (NM_001297712.2); short protein forms E121D, E109D, E131D, E106D.
Identifiers: ClinVar variation 1736320 (VCV001736320.3), dbSNP rs767358373, ClinGen allele CA384038857.
Genomic context (GRCh38, chr12:8,649,517, plus strand): 5'-CTCATAACTGCTTCTCTCCATTAAACATCCAGACATCATCTTACCTTTCATAGCTTCGTG[T>A]TCCTTACAGACAAGACGAGAGCAGATCTCCTTGTTGACGATGTACATACGTCGTAAACTG-3'
Protein context (NP_003471.1, residues 121-141): KEICSRLVCK[Glu131Asp]HEAMKDELCR